The following is an entry in ClinVar:

ClinVar aggregate classification (germline): Uncertain significance (1 of 4 stars; one submission).

Conditions:
Tuberous sclerosis 2 (TSC2). Identifiers: Orphanet 805, MedGen C1860707, MONDO:0013199, OMIM 613254.

Submission:

Labcorp Genetics (formerly Invitae), Labcorp
Classification: Uncertain significance for Tuberous sclerosis 2. Last evaluated: 2019-09-19. Review status: criteria provided, single submitter. Criteria: Invitae Variant Classification Sherloc (09022015). Collection method: clinical testing. Allele origin: germline.
Comment: In summary, the available evidence is currently insufficient to determine the role of this variant in disease. Therefore, it has been classified as a Variant of Uncertain Significance. Algorithms developed to predict the effect of missense changes on protein structure and function (SIFT, PolyPhen-2, Align-GVGD) all suggest that this variant is likely to be disruptive, but these predictions have not been confirmed by published functional studies and their clinical significance is uncertain. This variant has not been reported in the literature in individuals with TSC2-related conditions. This variant is not present in population databases (ExAC no frequency). This sequence change replaces leucine with proline at codon 236 of the TSC2 protein (p.Leu236Pro). The leucine residue is highly conserved and there is a moderate physicochemical difference between leucine and proline.

NM_000548.5(TSC2):c.707_708delinsCT (p.Leu236Pro)

Gene: TSC2 (TSC complex subunit 2; plus strand). Cytogenetic location: 16p13.3.
Variant type: Indel.
Coding change: c.707_708delinsCT on transcript NM_000548.5 (MANE Select); coding-DNA positions 707 to 708, TC replaced by CT.
Protein change: p.Leu236Pro; replaces leucine 236 with proline.
Molecular consequence: missense variant.
Genome position (GRCh38, 1-based): chr16:2,056,702-2,056,703, TC replaced by CT. VCF-style: chr16-2056702-TC-CT. GRCh37 (hg19) VCF-style: chr16-2106703-TC-CT.
Other names: c.560_561delinsCT, p.Leu187Pro (NM_001318829.2); c.107_108delinsCT, p.Leu36Pro (NM_001318831.2); c.740_741delinsCT, p.Leu247Pro (NM_001318832.2); c.707_708delinsCT, p.Leu236Pro (NM_001363528.2, NM_001370404.1, NM_001370405.1 and 3 more transcripts); c.596_597delinsCT, p.Leu199Pro (NM_001318827.2); short protein forms L36P, L199P, L236P, L247P, L187P.
Identifiers: ClinVar variation 958366 (VCV000958366.8), dbSNP rs2085886566, ClinGen allele CA1139664329.